The following is an entry in ClinVar:

ClinVar aggregate classification (germline): Likely pathogenic (1 of 4 stars; one submission).

Conditions:
Fanconi anemia (FA). Also called: Fanconi's anemia. Identifiers: Orphanet 84, MedGen C0015625, MeSH D005199, MONDO:0019391.

Submission:

Labcorp Genetics (formerly Invitae), Labcorp
Classification: Likely pathogenic for Fanconi anemia. Last evaluated: 2023-04-22. Review status: criteria provided, single submitter. Criteria: Invitae Variant Classification Sherloc (09022015). Collection method: clinical testing. Allele origin: germline.
Comment: In summary, the currently available evidence indicates that the variant is pathogenic, but additional data are needed to prove that conclusively. Therefore, this variant has been classified as Likely Pathogenic. A similar copy number variant has been observed in individual(s) with Fanconi anemia (PMID: 19367192). This variant results in a copy number gain of the genomic region encompassing exon(s) 15-21 of the FANCA gene. While the exact position of this variant cannot be determined from the data, sub-genic copy number gains are generally in tandem (PMID: 25640679). This variant is predicted to be out-of-frame, and may result in an absent or disrupted protein product. Loss-of-function variants in FANCA are known to be pathogenic (PMID: 19367192).

Literature cited by the submitters: PubMed 19367192; PubMed 25640679.

NC_000016.9:g.(?_89842140)_(89851382_?)dup

Gene: FANCA (FA complementation group A; minus strand). Cytogenetic location: 16q24.3.
Variant type: Duplication.
Identifiers: ClinVar variation 2422421 (VCV002422421.4).